The following is an entry in ClinVar:

NM_003336.4(UBE2A):c.126-2A>G

Gene: UBE2A (ubiquitin conjugating enzyme E2 A; plus strand). Cytogenetic location: Xq24.
Variant type: single nucleotide variant.
Coding change: c.126-2A>G on transcript NM_003336.4 (MANE Select); the canonical splice acceptor site of the intron before coding-DNA position 126, A replaced by G.
Molecular consequence: splice acceptor variant.
Genome position (GRCh38, 1-based): chrX:119,575,373, A>G. VCF-style: chrX-119575373-A-G. GRCh37 (hg19) VCF-style: chrX-118709336-A-G.
Other names: NC_000023.10:g.118709336A>G; c.126-2A>G (NM_181762.3); c.27-2A>G (NM_001282161.2).
Identifiers: ClinVar variation 3254933 (VCV003254933.2), dbSNP rs2520620698.

ClinVar aggregate classification (germline): Pathogenic (1 of 4 stars; one submission).

Conditions:
Intellectual developmental disorder, X-linked, syndromic, Nascimento type. Also called: Syndromic X-linked intellectual disability Nascimento type; MENTAL RETARDATION, X-LINKED, SYNDROMIC 30. Identifiers: Orphanet 163956, MedGen C3275464, MONDO:0010461, OMIM 300860.

Submissions (3):

Victorian Clinical Genetics Services, Murdoch Childrens Research Institute
Classification: Pathogenic for Intellectual developmental disorder, X-linked, syndromic, Nascimento type. Last evaluated: 2023-07-17. Review status: criteria provided, single submitter. Criteria: ACMG Guidelines, 2015. Collection method: clinical testing. Allele origin: germline. Inheritance: X-linked recessive inheritance. Affected: yes.
Comment: Based on the classification scheme VCGS_Germline_v1.3.4, this variant is classified as Pathogenic. Following criteria are met: 0102 - Loss of function is a known mechanism of disease in this gene and is associated with X-linked syndromic intellectual developmental disorder, Nascimento type (MIM#300860). (I) 0109 - This gene is associated with X-linked recessive disease. (I) 0211 - Canonical splice site variant without proven consequence on splicing (no functional evidence available). (SP) 0253 - This variant is hemizygous. (I) 0301 - Variant is absent from gnomAD (both v2 and v3). (SP) 0505 - Abnormal splicing is predicted by in silico tools and affected nucleotide is highly conserved. (SP) 0704 - Another splice variant comparable to the one identified in this case has limited previous evidence for pathogenicity. Another canonical splice site variant at the same splice junction (c.126-1G>A) has been reported as likely pathogenic in ClinVar. (SP) 0807 - This variant has no previous evidence of pathogenicity. (I) 0905 - No published segregation evidence has been identified for this variant. (I) 1007 - No published functional evidence has been identified for this variant. (SP) Legend: (SP) - Supporting pathogenic, (I) - Information, (SB) - Supporting benign

Dr. Peter K. Rogan Lab, Western University
No classification provided (evidence only). Condition: Nonpapillary renal cell carcinoma. Review status: no classification provided. Collection method: in vitro. Allele origin: not applicable. Functional consequence: retained intron. Not counted in ClinVar's aggregate classification.

Dr. Peter K. Rogan Lab, Western University
No classification provided (evidence only). Condition: Nonpapillary renal cell carcinoma. Review status: no classification provided. Collection method: in vitro. Allele origin: not applicable. Functional consequence: retained intron. Not counted in ClinVar's aggregate classification.